The following is an entry in ClinVar:

NM_018714.3(COG1):c.810T>C (p.His270=)

Gene: COG1 (component of oligomeric golgi complex 1; plus strand). Cytogenetic location: 17q25.1.
Variant type: single nucleotide variant.
Coding change: c.810T>C on transcript NM_018714.3 (MANE Select); coding-DNA position 810, T replaced by C.
Protein change: p.His270=; no amino-acid change (histidine 270 retained).
Molecular consequence: synonymous variant.
Genome position (GRCh38, 1-based): chr17:73,197,293, T>C. VCF-style: chr17-73197293-T-C. GRCh37 (hg19) VCF-style: chr17-71193432-T-C.
Other names: c.810T>C (NM_018714.2).
Identifiers: ClinVar variation 2070977 (VCV002070977.6), dbSNP rs755596131, ClinGen allele CA8740069.

ClinVar aggregate classification (germline): Likely benign. Review status: criteria provided, single submitter (1 of 4 stars). 2 submissions from 2 submitters: Likely benign (1). 1 of the submissions does not count toward it. Last evaluated 2022-01-07.

Conditions:
COG1-related disorder. Also called: COG1-related condition.
COG1 congenital disorder of glycosylation (CDG2G). Also called: CONGENITAL DISORDER OF GLYCOSYLATION, TYPE IIg; CDG IIg; CDGII/COG1 CEREBROCOSTOMANDIBULAR-LIKE SYNDROME. Identifiers: Orphanet 263508, MedGen C2931011, MONDO:0012637, OMIM 611209.

Allele frequency attached by ClinVar (database versions not stated): ExAC 0.00001; gnomAD 0.00001; gnomAD exomes 0.00001; TOPMed 0.00001.
gnomAD v4.1: 23 of 1,614,126 alleles (0.0014%); highest among the groups gnomAD compares: Non-Finnish European, 0.0018%; no homozygotes.

Submissions (2):

Labcorp Genetics (formerly Invitae), Labcorp
Classification: Likely benign for COG1 congenital disorder of glycosylation. Last evaluated: 2022-01-07. Review status: criteria provided, single submitter. Criteria: Invitae Variant Classification Sherloc (09022015). Collection method: clinical testing. Allele origin: germline.

PreventionGenetics, part of Exact Sciences
Classification: Likely benign for COG1-related condition. Last evaluated: 2020-01-13. Review status: no assertion criteria provided. Collection method: clinical testing. Allele origin: germline. Not counted in ClinVar's aggregate classification.
Comment: This variant is classified as likely benign based on ACMG/AMP sequence variant interpretation guidelines (Richards et al. 2015 PMID: 25741868, with internal and published modifications).